The following is an entry in ClinVar:

ClinVar aggregate classification (germline): Uncertain significance (1 of 4 stars; one submission).

gnomAD v4.1: 4 of 1,614,210 alleles (0.00025%); highest among the groups gnomAD compares: African/African-American, 0.0013%; no homozygotes.

Submission:

Labcorp Genetics (formerly Invitae), Labcorp
Classification: Uncertain significance. Last evaluated: 2025-05-08. Review status: criteria provided, single submitter. Criteria: Invitae Variant Classification Sherloc (09022015). Collection method: clinical testing. Allele origin: germline.
Comment: This sequence change replaces arginine, which is basic and polar, with tryptophan, which is neutral and slightly polar, at codon 828 of the KIAA0556 protein (p.Arg828Trp). This variant is present in population databases (no rsID available, gnomAD 0.007%). This variant has not been reported in the literature in individuals affected with KIAA0556-related conditions. An algorithm developed to predict the effect of missense changes on protein structure and function (PolyPhen-2) suggests that this variant is likely to be disruptive. In summary, the available evidence is currently insufficient to determine the role of this variant in disease. Therefore, it has been classified as a Variant of Uncertain Significance.

NM_015202.5(KATNIP):c.2482A>T (p.Arg828Trp)

Gene: KATNIP (katanin interacting protein; plus strand). Cytogenetic location: 16p12.1.
Variant type: single nucleotide variant.
Coding change: c.2482A>T on transcript NM_015202.5 (MANE Select); coding-DNA position 2482, A replaced by T.
Protein change: p.Arg828Trp; replaces arginine 828 with tryptophan.
Molecular consequence: missense variant.
Genome position (GRCh38, 1-based): chr16:27,740,779, A>T. VCF-style: chr16-27740779-A-T. GRCh37 (hg19) VCF-style: chr16-27752100-A-T.
Other names: short protein forms R828W.
Identifiers: ClinVar variation 4750828 (VCV004750828.1).